The following is an entry in ClinVar:

NM_198586.3(NHLRC1):c.992del (p.Gly331fs)

Gene: NHLRC1 (NHL repeat containing E3 ubiquitin protein ligase 1; minus strand). Cytogenetic location: 6p22.3.
Variant type: Deletion.
Coding change: c.992del on transcript NM_198586.3 (MANE Select); coding-DNA position 992, one base deleted (G; older notation c.992delG).
Protein change: p.Gly331fs; shifts the reading frame from glycine 331.
Molecular consequence: frameshift variant.
Genome position (GRCh38, 1-based): chr6:18,121,615, C deleted on the plus strand (G on the coding strand, the reverse complement: NHLRC1 is on the minus strand); the first of 3 consecutive C bases (chr6:18,121,615-18,121,617); deleting any one gives the same sequence. VCF-style (leftmost placement, unchanged base first): chr6-18121614-TC-T. GRCh37 (hg19) VCF-style: chr6-18121845-TC-T.
Other names: short protein forms G331fs.
Identifiers: ClinVar variation 2589 (VCV000002589.5), dbSNP rs587776543, ClinGen allele CA115632.
Genomic context (GRCh38, chr6:18,121,614, plus strand): 5'-CTCCTCAGGTTTTCCTAAGCAAAGGATAGCTGGACCAGATGTATCTGCAACAATCACATT[TC>T]CCTGGTGATCAAAGGTCACAGCGGAGGCAGTTATTTTGGAGGGAAAGTAGAGGCTCAGCC-3'

ClinVar aggregate classification (germline): Pathogenic. Review status: criteria provided, single submitter (1 of 4 stars). 2 submissions from 2 submitters: Pathogenic (1). 1 of the submissions does not count toward it. Last evaluated 2025-07-03.

Conditions:
Myoclonic epilepsy of Lafora 2. Also called: EPILEPSY, PROGRESSIVE MYOCLONIC, 2B; LAFORA DISEASE 2; NHLRC1-Related Lafora Disease; Epilepsy, progressive myoclonic 2B (Lafora). Identifiers: MedGen C1850764, MONDO:0800306, OMIM 620681.

Submissions (2):

Institute of Human Genetics, University of Leipzig Medical Center
Classification: Pathogenic for Myoclonic epilepsy of Lafora 2. Last evaluated: 2025-07-03. Review status: criteria provided, single submitter. Criteria: ACMG Guidelines, 2015. Collection method: clinical testing. Allele origin: paternal. Inheritance: Autosomal recessive inheritance. Affected: yes.
Comment: Criteria applied: PVS1,PM3_STR,PM2

OMIM
Classification: Pathogenic for MYOCLONIC EPILEPSY OF LAFORA 2. Last evaluated: 2003-10-01. Review status: no assertion criteria provided. Collection method: literature only. Allele origin: germline. Not counted in ClinVar's aggregate classification.

Literature cited by the submitters: PubMed 12958597 (cited by OMIM).